The following is an entry in ClinVar:

NM_004484.4(GPC3):c.338-20dup

Gene: GPC3 (glypican 3; minus strand). Cytogenetic location: Xq26.2.
Variant type: Duplication.
Coding change: c.338-20dup on transcript NM_004484.4 (MANE Select); 20 bases into the intron before coding-DNA position 338, one base duplicated (T; older notation c.338-20dupT).
Molecular consequence: intron variant.
Genome position (GRCh38, 1-based): chrX:133,754,181, A duplicated on the plus strand (T on the coding strand, the reverse complement: GPC3 is on the minus strand); the first of 16 consecutive A bases (chrX:133,754,181-133,754,196); duplicating any one gives the same sequence. VCF-style (leftmost placement, unchanged base first): chrX-133754180-T-TA. GRCh37 (hg19) VCF-style: chrX-132888207-T-TA.
Other names: p.?; c.176-20dup (NM_001164619.2); c.290-20dup (NM_001164618.2); c.338-20dup (NM_001164617.2); c.338-5dup (NM_004484.4).
Identifiers: ClinVar variation 695314 (VCV000695314.14), dbSNP rs370737647, ClinGen allele CA10520843.

ClinVar aggregate classification (germline): Benign/Likely benign. Review status: criteria provided, multiple submitters, no conflicts (2 of 4 stars). 9 submissions from 9 submitters: Benign (3); Likely benign (2). 4 of the submissions do not count toward it. Last evaluated 2024-11-28.

Conditions:
Wilms tumor 1 (WT1). Also called: Wilms tumor, somatic. Identifiers: Orphanet 654, MedGen CN033288, MONDO:0008679, OMIM 194070.
Simpson-Golabi-Behmel syndrome type 1 (SGBS1). Also called: GPC3-Related Simpson-Golabi-Behmel Syndrome Type 1; BULLDOG SYNDROME; DYSPLASIA GIGANTISM SYNDROME, X-LINKED; GOLABI-ROSEN SYNDROME; SIMPSON DYSMORPHIA SYNDROME. Identifiers: Orphanet 373, MedGen C0796154, MONDO:0020602, OMIM 312870.
Hereditary cancer-predisposing syndrome. Also called: Tumor predisposition; Hereditary neoplastic syndrome; Hereditary Cancer Syndrome; Neoplastic Syndromes, Hereditary. Identifiers: Orphanet 140162, MedGen C0027672, MeSH D009386, MONDO:0015356.

Submissions (9):

Blueprint Genetics
Classification: Likely benign. Last evaluated: 2024-11-28. Review status: criteria provided, single submitter. Criteria: ACMG Guidelines, 2015. Collection method: clinical testing. Allele origin: germline.

Mayo Clinic Laboratories, Mayo Clinic
Classification: Benign. Last evaluated: 2024-10-15. Review status: criteria provided, single submitter. Criteria: ACMG Guidelines, 2015. Collection method: clinical testing. Allele origin: germline. Observed: 39 variant alleles.
Comment: BA1, BP4, BP7

Fulgent Genetics
Classification: Likely benign for Wilms tumor 1; Simpson-Golabi-Behmel syndrome type 1. Last evaluated: 2022-01-06. Review status: criteria provided, single submitter. Criteria: ACMG Guidelines, 2015. Collection method: clinical testing. Allele origin: unknown.

Sema4
Classification: Benign for Hereditary cancer-predisposing syndrome. Last evaluated: 2020-02-24. Review status: criteria provided, single submitter. Criteria: Sema4 Curation Guidelines. Collection method: curation. Allele origin: germline.

Labcorp Genetics (formerly Invitae), Labcorp
Classification: Benign for Wilms tumor 1. Last evaluated: 2019-12-31. Review status: criteria provided, single submitter. Criteria: Invitae Variant Classification Sherloc (09022015). Collection method: clinical testing. Allele origin: germline.

Clinical Genetics DNA and cytogenetics Diagnostics Lab, Erasmus MC, Erasmus Medical Center
Classification: Benign. Review status: no assertion criteria provided. Collection method: clinical testing. Allele origin: germline. Affected: yes. Study: VKGL Data-share Consensus. Not counted in ClinVar's aggregate classification.

Diagnostic Laboratory, Department of Genetics, University Medical Center Groningen
Classification: Benign. Review status: no assertion criteria provided. Collection method: clinical testing. Allele origin: germline. Affected: yes. Study: VKGL Data-share Consensus. Not counted in ClinVar's aggregate classification.

Genome Diagnostics Laboratory, Amsterdam University Medical Center
Classification: Benign. Review status: no assertion criteria provided. Collection method: clinical testing. Allele origin: germline. Affected: yes. Study: VKGL Data-share Consensus. Not counted in ClinVar's aggregate classification.

Genome Diagnostics Laboratory, University Medical Center Utrecht
Classification: Benign. Review status: no assertion criteria provided. Collection method: clinical testing. Allele origin: germline. Affected: yes. Study: VKGL Data-share Consensus. Not counted in ClinVar's aggregate classification.